The following is an entry in ClinVar:

ClinVar aggregate classification (germline): Uncertain significance (1 of 4 stars; one submission).

Conditions:
COG1 congenital disorder of glycosylation (CDG2G). Also called: CONGENITAL DISORDER OF GLYCOSYLATION, TYPE IIg; CDG IIg; CDGII/COG1 CEREBROCOSTOMANDIBULAR-LIKE SYNDROME. Identifiers: Orphanet 263508, MedGen C2931011, MONDO:0012637, OMIM 611209.

Allele frequency attached by ClinVar (database versions not stated): gnomAD 0.00001; TOPMed 0.00002.
gnomAD v4.1: 2 of 1,614,130 alleles (0.00012%); highest among the groups gnomAD compares: African/African-American, 0.0027%; no homozygotes.

Submission:

Labcorp Genetics (formerly Invitae), Labcorp
Classification: Uncertain significance for COG1 congenital disorder of glycosylation. Last evaluated: 2022-07-19. Review status: criteria provided, single submitter. Criteria: Invitae Variant Classification Sherloc (09022015). Collection method: clinical testing. Allele origin: germline.
Comment: In summary, the available evidence is currently insufficient to determine the role of this variant in disease. Therefore, it has been classified as a Variant of Uncertain Significance. Algorithms developed to predict the effect of missense changes on protein structure and function are either unavailable or do not agree on the potential impact of this missense change (SIFT: "Deleterious"; PolyPhen-2: "Probably Damaging"; Align-GVGD: "Class C0"). ClinVar contains an entry for this variant (Variation ID: 1502236). This variant has not been reported in the literature in individuals affected with COG1-related conditions. This variant is not present in population databases (gnomAD no frequency). This sequence change replaces leucine, which is neutral and non-polar, with isoleucine, which is neutral and non-polar, at codon 612 of the COG1 protein (p.Leu612Ile).

NM_018714.3(COG1):c.1834C>A (p.Leu612Ile)

Gene: COG1 (component of oligomeric golgi complex 1; plus strand). Cytogenetic location: 17q25.1.
Variant type: single nucleotide variant.
Coding change: c.1834C>A on transcript NM_018714.3 (MANE Select); coding-DNA position 1834, C replaced by A.
Protein change: p.Leu612Ile; replaces leucine 612 with isoleucine.
Molecular consequence: missense variant.
Genome position (GRCh38, 1-based): chr17:73,201,661, C>A. VCF-style: chr17-73201661-C-A. GRCh37 (hg19) VCF-style: chr17-71197800-C-A.
Other names: short protein forms L612I.
Identifiers: ClinVar variation 1502236 (VCV001502236.9), dbSNP rs936131075, ClinGen allele CA293804462.
Genomic context (GRCh38, chr17:73,201,661, plus strand): 5'-ATTGAAGAGGGTGTGCAAGGGCAACAGGATGCCCTCAACAGTGCCAAGCTGCACTCAGTT[C>A]TTTTCATGGCCAGACTCTGCCAGTCCCTGGGAGAGCTGTGCCCCCATCTGAAGCAGTGCA-3'
Protein context (NP_061184.1, residues 602-622): ALNSAKLHSV[Leu612Ile]FMARLCQSLG